The following is an entry in ClinVar:

NM_033118.4(MYLK2):c.611A>G (p.Gln204Arg)

Gene: MYLK2 (myosin light chain kinase 2; plus strand). Cytogenetic location: 20q11.21.
Variant type: single nucleotide variant.
Coding change: c.611A>G on transcript NM_033118.4 (MANE Select); coding-DNA position 611, A replaced by G.
Protein change: p.Gln204Arg; replaces glutamine 204 with arginine.
Molecular consequence: missense variant.
Genome position (GRCh38, 1-based): chr20:31,821,576, A>G. VCF-style: chr20-31821576-A-G. GRCh37 (hg19) VCF-style: chr20-30409379-A-G.
Other names: short protein forms Q204R.
Identifiers: ClinVar variation 1039709 (VCV001039709.8), dbSNP rs2062252352, ClinGen allele CA408525981.

ClinVar aggregate classification (germline): Uncertain significance (1 of 4 stars; one submission).

Conditions:
Hypertrophic cardiomyopathy 1 (CMH1). Also called: Familial hypertrophic cardiomyopathy 1; MYH7-Related Familial Hypertrophic Cardiomyopathy. Identifiers: MedGen C3495498, MONDO:0008647, OMIM 192600.

Submission:

Labcorp Genetics (formerly Invitae), Labcorp
Classification: Uncertain significance for Hypertrophic cardiomyopathy 1. Last evaluated: 2020-09-26. Review status: criteria provided, single submitter. Criteria: Invitae Variant Classification Sherloc (09022015). Collection method: clinical testing. Allele origin: germline.
Comment: This sequence change replaces glutamine with arginine at codon 204 of the MYLK2 protein (p.Gln204Arg). The glutamine residue is moderately conserved and there is a small physicochemical difference between glutamine and arginine. This variant is not present in population databases (ExAC no frequency). This variant has not been reported in the literature in individuals with MYLK2-related conditions. Algorithms developed to predict the effect of missense changes on protein structure and function output the following: SIFT: "Tolerated"; PolyPhen-2: "Benign"; Align-GVGD: "Class C0". The arginine amino acid residue is found in multiple mammalian species, suggesting that this missense change does not adversely affect protein function. These predictions have not been confirmed by published functional studies and their clinical significance is uncertain. In summary, the available evidence is currently insufficient to determine the role of this variant in disease. Therefore, it has been classified as a Variant of Uncertain Significance.